The following is an entry in ClinVar:

ClinVar aggregate classification (germline): Uncertain significance (1 of 4 stars; one submission).

Submission:

Labcorp Genetics (formerly Invitae), Labcorp
Classification: Uncertain significance. Last evaluated: 2024-10-16. Review status: criteria provided, single submitter. Criteria: Invitae Variant Classification Sherloc (09022015). Collection method: clinical testing. Allele origin: germline.
Comment: This sequence change replaces proline, which is neutral and non-polar, with leucine, which is neutral and non-polar, at codon 324 of the PCGF2 protein (p.Pro324Leu). This variant is not present in population databases (gnomAD no frequency). This variant has not been reported in the literature in individuals affected with PCGF2-related conditions. ClinVar contains an entry for this variant (Variation ID: 2090427). An algorithm developed to predict the effect of missense changes on protein structure and function (PolyPhen-2) suggests that this variant is likely to be tolerated. In summary, the available evidence is currently insufficient to determine the role of this variant in disease. Therefore, it has been classified as a Variant of Uncertain Significance.

NM_007144.3(PCGF2):c.971C>T (p.Pro324Leu)

Genes: CISD3 (CDGSH iron sulfur domain 3; plus strand), PCGF2 (polycomb group ring finger 2; minus strand). Cytogenetic location: 17q12.
Variant type: single nucleotide variant.
Coding change: c.971C>T on transcript NM_007144.3 (MANE Select); coding-DNA position 971, C replaced by T.
Protein change: p.Pro324Leu; replaces proline 324 with leucine.
Molecular consequence: missense variant. On other transcripts: 3 prime UTR variant (1).
Genome position (GRCh38, 1-based): chr17:38,735,287, G>A on the plus strand (C>T on the coding strand, the complement: PCGF2 is on the minus strand). VCF-style: chr17-38735287-G-A. GRCh37 (hg19) VCF-style: chr17-36891540-G-A.
Other names: c.971C>T, p.Pro324Leu (NM_001369614.1, NM_001369615.1); c.*1832G>A (NM_001136498.2); short protein forms P324L.
Identifiers: ClinVar variation 2090427 (VCV002090427.4), dbSNP rs2508663916, ClinGen allele CA398819486.